The following is an entry in ClinVar:

NM_000321.3(RB1):c.1605del (p.Phe535fs)

Gene: RB1 (RB transcriptional corepressor 1; plus strand). Cytogenetic location: 13q14.2.
Variant type: Deletion.
Coding change: c.1605del on transcript NM_000321.3 (MANE Select); coding-DNA position 1605, one base deleted (T; older notation c.1605delT).
Protein change: p.Phe535fs; shifts the reading frame from phenylalanine 535.
Molecular consequence: frameshift variant.
Genome position (GRCh38, 1-based): chr13:48,381,353, T deleted; the last of 4 consecutive T bases (chr13:48,381,350-48,381,353); deleting any one gives the same sequence. VCF-style (leftmost placement, unchanged base first): chr13-48381349-GT-G. GRCh37 (hg19) VCF-style: chr13-48955485-GT-G.
Other names: c.1605del, p.Phe535fs (NM_001407165.1, NM_001407166.1); short protein forms F535fs.
Identifiers: ClinVar variation 3231198 (VCV003231198.2), dbSNP rs2542206797, ClinGen allele CA2695218502.

ClinVar aggregate classification (germline): Pathogenic/Likely pathogenic. Review status: criteria provided, multiple submitters, no conflicts (2 of 4 stars). 2 submissions from 2 submitters: Pathogenic (1); Likely pathogenic (1). Last evaluated 2026-05-29.

Conditions:
Hereditary cancer-predisposing syndrome. Also called: Neoplastic Syndromes, Hereditary; Tumor predisposition; Hereditary Cancer Syndrome; Hereditary neoplastic syndrome. Identifiers: Orphanet 140162, MedGen C0027672, MeSH D009386, MONDO:0015356.
Retinoblastoma (RB1). Also called: RETINOBLASTOMA, SOMATIC. Identifiers: Orphanet 790, MedGen C0035335, MeSH D012175, MONDO:0008380, OMIM 180200, HP:0009919. Disease mechanism: loss of function. Inheritance: Both sporadic and heritable forms are tested..

Submissions (2):

Diller/Parad Lab, Dana-Farber/Harvard Cancer Center
Classification: Likely pathogenic for Retinoblastoma. Last evaluated: 2026-05-29. Review status: criteria provided, single submitter. Criteria: ACMG Guidelines, 2015. Collection method: research. Allele origin: germline. Affected: yes.
Comment: It has been classified as Likely Pathogenic using Richards et al (PMID:25741868) based on the following evidence codes: PM2, PVS1.

Ambry Genetics
Classification: Pathogenic for Hereditary cancer-predisposing syndrome. Last evaluated: 2024-02-06. Review status: criteria provided, single submitter. Criteria: Ambry Variant Classification Scheme 2023. Collection method: clinical testing. Allele origin: germline.
Comment: The c.1605delT pathogenic mutation, located in coding exon 17 of the RB1 gene, results from a deletion of one nucleotide at nucleotide position 1605, causing a translational frameshift with a predicted alternate stop codon (p.F535Lfs*8). This variant has been observed in at least one individual with a personal and/or family history that is consistent with RB1-related hereditary retinoblastoma and in one study that tested tumor and/or blood samples from patients affected with retinoblastoma (Ambry internal data; Van Orsouw NJ et al. Hum Mol Genet, 1996 Jun;5:755-61). This variant is considered to be rare based on population cohorts in the Genome Aggregation Database (gnomAD). This alteration is expected to result in loss of function by premature protein truncation or nonsense-mediated mRNA decay. As such, this alteration is interpreted as a disease-causing mutation.

Literature cited by the submitters: PubMed 8776589 (cited by Ambry Genetics).